The following is an entry in ClinVar:

ClinVar aggregate classification (germline): Likely pathogenic (1 of 4 stars; one submission).

Conditions:
Niemann-Pick disease, type C1. Also called: NIEMANN-PICK DISEASE, VARIANT TYPE C1; NEUROVISCERAL STORAGE DISEASE WITH VERTICAL SUPRANUCLEAR OPHTHALMOPLEGIA; NIEMANN-PICK DISEASE WITH CHOLESTEROL ESTERIFICATION BLOCK; NIEMANN-PICK DISEASE WITHOUT SPHINGOMYELINASE DEFICIENCY; NIEMANN-PICK DISEASE, CHRONIC NEURONOPATHIC FORM. Identifiers: Orphanet 646, MedGen C3179455, MONDO:0009757, OMIM 257220.

Submission:

Natera, Inc.
Classification: Likely pathogenic for Niemann-Pick disease type C1. Last evaluated: 2025-06-09. Review status: criteria provided, single submitter. Criteria: Natera Variant Classification Schema (03/2026). Collection method: clinical testing. Allele origin: germline.
Comment: The c.1831_1836del variant in NPC1 is an in-frame deletion. This variant is rare in the general population with a frequency below the threshold expected for the associated phenotype(s). This variant has been observed in one or more individuals affected with the associated recessive disease, as either homozygous or compound heterozygous with a second variant (PMID: 23597521). This variant results in a change to the protein length while preserving reading frame, which may disrupt normal protein structure or function. Given the available evidence, this variant is classified as Likely Pathogenic.

Literature cited by the submitters: PubMed 23597521.

NM_000271.5(NPC1):c.1831_1836del (p.Asp611_Glu612del)

Gene: NPC1 (NPC intracellular cholesterol transporter 1; minus strand). Cytogenetic location: 18q11.2.
Variant type: Deletion.
Coding change: c.1831_1836del on transcript NM_000271.5 (MANE Select); coding-DNA positions 1831 to 1836, 6 bases deleted (GATGAA; older notation c.1831_1836delGATGAA).
Protein change: p.Asp611_Glu612del.
Molecular consequence: inframe deletion.
Genome position (GRCh38, 1-based): chr18:23,545,071-23,545,076, TTCATC deleted on the plus strand (GATGAA on the coding strand, the reverse complement: NPC1 is on the minus strand); deleting any 6 consecutive bases within chr18:23,545,071-23,545,080 gives the same sequence; the c. name uses the placement nearest the transcript's 3' end. VCF-style (leftmost placement, unchanged base first): chr18-23545070-GTTCATC-G. GRCh37 (hg19) VCF-style: chr18-21125034-GTTCATC-G.
Identifiers: ClinVar variation 4818050 (VCV004818050.1).